The following is an entry in ClinVar:

NM_005142.3(CBLIF):c.482T>G (p.Leu161Arg)

Gene: CBLIF (cobalamin binding intrinsic factor; minus strand). Cytogenetic location: 11q12.1.
Variant type: single nucleotide variant.
Coding change: c.482T>G on transcript NM_005142.3 (MANE Select); coding-DNA position 482, T replaced by G.
Protein change: p.Leu161Arg; replaces leucine 161 with arginine.
Molecular consequence: missense variant.
Genome position (GRCh38, 1-based): chr11:59,842,472, A>C on the plus strand (T>G on the coding strand, the complement: CBLIF is on the minus strand). VCF-style: chr11-59842472-A-C. GRCh37 (hg19) VCF-style: chr11-59609945-A-C.
Other names: short protein forms L161R.
Identifiers: ClinVar variation 660502 (VCV000660502.6), dbSNP rs200856492, ClinGen allele CA6021560.

ClinVar aggregate classification (germline): Uncertain significance (1 of 4 stars; one submission).

Conditions:
Hereditary intrinsic factor deficiency (IFD). Also called: PERNICIOUS ANEMIA, CONGENITAL, DUE TO DEFECT OF INTRINSIC FACTOR; Congenital intrinsic factor deficiency. Identifiers: Orphanet 332, MedGen C2062370, MONDO:0009852, OMIM 261000.

Allele frequency attached by ClinVar (database versions not stated): TOPMed below 0.00001; ExAC 0.00001; gnomAD 0.00001; gnomAD exomes 0.00002 and 0.00007; ESP Exome Variant Server 0.00008; 1000 Genomes Project 30x 0.00016; 1000 Genomes Project 0.00020.
gnomAD v4.1: 105 of 1,613,828 alleles (0.0065%); highest among the groups gnomAD compares: Non-Finnish European, 0.0086%; no homozygotes.

Submission:

Labcorp Genetics (formerly Invitae), Labcorp
Classification: Uncertain significance for Hereditary intrinsic factor deficiency. Last evaluated: 2022-02-18. Review status: criteria provided, single submitter. Criteria: Invitae Variant Classification Sherloc (09022015). Collection method: clinical testing. Allele origin: germline.
Comment: This sequence change replaces leucine, which is neutral and non-polar, with arginine, which is basic and polar, at codon 161 of the GIF protein (p.Leu161Arg). Algorithms developed to predict the effect of missense changes on protein structure and function (SIFT, PolyPhen-2, Align-GVGD) all suggest that this variant is likely to be disruptive. This variant is present in population databases (rs200856492, gnomAD 0.005%). This variant has not been reported in the literature in individuals affected with GIF-related conditions. ClinVar contains an entry for this variant (Variation ID: 660502). In summary, the available evidence is currently insufficient to determine the role of this variant in disease. Therefore, it has been classified as a Variant of Uncertain Significance.